The following is an entry in ClinVar:

ClinVar aggregate classification (germline): Uncertain significance (1 of 4 stars; one submission).

Conditions:
Cardiovascular phenotype. Identifiers: MedGen CN230736.

Submission:

Ambry Genetics
Classification: Uncertain significance for Cardiovascular phenotype. Last evaluated: 2020-07-27. Review status: criteria provided, single submitter. Criteria: Ambry Variant Classification Scheme 2023. Collection method: clinical testing. Allele origin: germline.
Comment: The p.S4551T variant (also known as c.13651T>A), located in coding exon 94 of the RYR2 gene, results from a T to A substitution at nucleotide position 13651. The serine at codon 4551 is replaced by threonine, an amino acid with similar properties. This amino acid position is not well conserved in available vertebrate species. In addition, this alteration is predicted to be tolerated by in silico analysis. Since supporting evidence is limited at this time, the clinical significance of this alteration remains unclear.

NM_001035.3(RYR2):c.13651T>A (p.Ser4551Thr)

Gene: RYR2 (ryanodine receptor 2; plus strand). Cytogenetic location: 1q43.
Variant type: single nucleotide variant.
Coding change: c.13651T>A on transcript NM_001035.3 (MANE Select); coding-DNA position 13651, T replaced by A.
Protein change: p.Ser4551Thr; replaces serine 4551 with threonine.
Molecular consequence: missense variant.
Genome position (GRCh38, 1-based): chr1:237,792,192, T>A. VCF-style: chr1-237792192-T-A. GRCh37 (hg19) VCF-style: chr1-237955492-T-A.
Other names: short protein forms S4551T.
Identifiers: ClinVar variation 1770911 (VCV001770911.2), dbSNP rs2527920253, ClinGen allele CA345417440.